The following is an entry in ClinVar:

ClinVar aggregate classification (germline): Uncertain significance. Review status: criteria provided, multiple submitters, no conflicts (2 of 4 stars). 4 submissions from 4 submitters: Uncertain significance (4). Last evaluated 2025-09-19.

Conditions:
Inborn genetic diseases. Identifiers: MedGen C0950123, MeSH D030342.
Congenital lipoid adrenal hyperplasia due to STAR deficency. Also called: Lipoid adrenal hyperplasia; Congenital Lipoid Adrenal Hyperplasia; ADRENAL HYPERPLASIA I; Cholesterol monooxygenase (side-chain cleaving) deficiency. Identifiers: Orphanet 418, Orphanet 90790, MedGen C0342474, MONDO:0008725, OMIM 201710.

Allele frequency attached by ClinVar (database versions not stated): gnomAD 0.00002; ExAC 0.00003; TOPMed 0.00005.
gnomAD v4.1: 58 of 1,614,112 alleles (0.0036%); highest among the groups gnomAD compares: East Asian, 0.0089%; no homozygotes.

Submissions (4):

Myriad Genetics, Inc.
Classification: Uncertain significance for Congenital lipoid adrenal hyperplasia due to STAR deficency. Last evaluated: 2025-09-19. Review status: criteria provided, single submitter. Criteria: Myriad Autosomal Dominant, Autosomal Recessive and X-Linked Classification Criteria (2023). Collection method: clinical testing. Allele origin: unknown.
Comment: NM_000349.2(STAR):c.578G>A(R193Q) is a missense variant classified as a variant of uncertain significance in the context of lipoid congenital adrenal hyperplasia. R193Q has been observed in a case with relevant disease (PMID: 40063902). Relevant functional assessments of this variant are not available in the literature. R193Q has been observed in referenced population frequency databases. In summary, there is insufficient evidence to classify NM_000349.2(STAR):c.578G>A(R193Q) as pathogenic or benign. Please note: this variant was assessed in the context of healthy population screening.

Ambry Genetics
Classification: Uncertain significance for Inborn genetic diseases. Last evaluated: 2024-12-03. Review status: criteria provided, single submitter. Criteria: Ambry Variant Classification Scheme 2023. Collection method: clinical testing. Allele origin: germline.

Fulgent Genetics
Classification: Uncertain significance for Congenital lipoid adrenal hyperplasia due to STAR deficency. Last evaluated: 2024-04-18. Review status: criteria provided, single submitter. Criteria: ACMG Guidelines, 2015. Collection method: clinical testing. Allele origin: germline.

Labcorp Genetics (formerly Invitae), Labcorp
Classification: Uncertain significance. Last evaluated: 2021-09-24. Review status: criteria provided, single submitter. Criteria: Invitae Variant Classification Sherloc (09022015). Collection method: clinical testing. Allele origin: germline.
Comment: This sequence change replaces arginine with glutamine at codon 193 of the STAR protein (p.Arg193Gln). The arginine residue is highly conserved and there is a small physicochemical difference between arginine and glutamine. This variant is present in population databases (rs774079499, ExAC 0.02%). This variant has not been reported in the literature in individuals with STAR-related disease. Algorithms developed to predict the effect of missense changes on protein structure and function (SIFT, PolyPhen-2, Align-GVGD) all suggest that this variant is likely to be tolerated, but these predictions have not been confirmed by published functional studies and their clinical significance is uncertain. In summary, the available evidence is currently insufficient to determine the role of this variant in disease. Therefore, it has been classified as a Variant of Uncertain Significance.

Literature cited by the submitters: PubMed 40063902 (cited by Myriad Genetics, Inc.).

NM_000349.3(STAR):c.578G>A (p.Arg193Gln)

Gene: STAR (steroidogenic acute regulatory protein; minus strand). Cytogenetic location: 8p11.23.
Variant type: single nucleotide variant.
Coding change: c.578G>A on transcript NM_000349.3 (MANE Select); coding-DNA position 578, G replaced by A.
Protein change: p.Arg193Gln; replaces arginine 193 with glutamine.
Molecular consequence: missense variant.
Genome position (GRCh38, 1-based): chr8:38,146,035, C>T on the plus strand (G>A on the coding strand, the complement: STAR is on the minus strand). VCF-style: chr8-38146035-C-T. GRCh37 (hg19) VCF-style: chr8-38003553-C-T.
Other names: c.578G>A (NM_000349.2); short protein forms R193Q.
Identifiers: ClinVar variation 2199170 (VCV002199170.4), dbSNP rs774079499, ClinGen allele CA4715211.